The following is an entry in ClinVar:

ClinVar aggregate classification (germline): Conflicting classifications of pathogenicity. Review status: criteria provided, conflicting classifications (1 of 4 stars). 11 submissions from 11 submitters: Uncertain significance (1); Benign (2); Likely benign (4). 4 of the submissions do not count toward it. Last evaluated 2026-08-01.

Conditions:
Polycystic kidney disease, adult type (PKD1). Also called: POLYCYSTIC KIDNEY DISEASE, ADULT, TYPE I; Polycystic Kidney, Autosomal Dominant; Polycystic Kidney Disease 1, Autosomal Dominant; Polycystic kidney disease 1; Polycystic kidney disease 1, severe; POLYCYSTIC KIDNEY DISEASE 1 WITH OR WITHOUT POLYCYSTIC LIVER DISEASE. Identifiers: MedGen C3149841, MONDO:0008263, OMIM 173900.
Polycystic kidney disease. Also called: Kidney, Polycystic; Polycystic kidney dysplasia. Identifiers: MedGen C0022680, MeSH D007690, MONDO:0020642, HP:0000113.

Allele frequency attached by ClinVar (database versions not stated): 1000 Genomes Project 30x 0.00109; 1000 Genomes Project 0.00140; ExAC 0.00150; gnomAD exomes 0.00170 and 0.00324; gnomAD 0.00178 and 0.00182; TOPMed 0.00193; ESP Exome Variant Server 0.00208.

Submissions (11):

CeGaT Center for Human Genetics Tuebingen
Classification: Likely benign. Last evaluated: 2026-08-01. Review status: criteria provided, single submitter. Criteria: CeGaT Center For Human Genetics Tuebingen Variant Classification Criteria Version 2. Collection method: clinical testing. Allele origin: germline. Affected: yes. Observed: 2 variant alleles.
Comment: PKD1: BP4, BS2

Women's Health and Genetics/Laboratory Corporation of America, LabCorp
Classification: Likely benign. Last evaluated: 2025-06-04. Review status: criteria provided, single submitter. Criteria: LabCorp Variant Classification Summary - May 2015. Collection method: clinical testing. Allele origin: germline.
Comment: Variant summary: PKD1 c.8713G>A (p.Val2905Ile) results in a conservative amino acid change in the encoded protein sequence. Algorithms developed to predict the effect of missense changes on protein structure and function are either unavailable or do not agree on the potential impact of this missense change. The variant allele was found at a frequency of 0.0017 in 238784 control chromosomes, predominantly at a frequency of 0.0028 within the Non-Finnish European subpopulation in the gnomAD database, including 1 homozygotes. The observed variant frequency within Non-Finnish European control individuals in the gnomAD database exceeds the estimated maximal expected allele frequency for a pathogenic variant in PKD1 causing PKD1-Biallelic Autosomal Recessive Polycystic Kidney Disease phenotype. c.8713G>A has been observed in individual(s) affected with PKD1-Biallelic Autosomal Recessive Polycystic Kidney Disease, however a pathogenic variant was identified in the patient (Zacchla_2021). These report(s) do not provide unequivocal conclusions about association of the variant with PKD1-Biallelic Autosomal Recessive Polycystic Kidney Disease. To our knowledge, no experimental evidence demonstrating an impact on protein function has been reported. The following publication has been ascertained in the context of this evaluation (PMID: 33964006). ClinVar contains an entry for this variant (Variation ID: 257028). Based on the evidence outlined above, the variant was classified as likely benign.

Blueprint Genetics
Classification: Likely benign. Last evaluated: 2024-11-13. Review status: criteria provided, single submitter. Criteria: ACMG Guidelines, 2015. Collection method: clinical testing. Allele origin: germline.

Mayo Clinic Laboratories, Mayo Clinic
Classification: Benign. Last evaluated: 2023-09-19. Review status: criteria provided, single submitter. Criteria: ACMG Guidelines, 2015. Collection method: clinical testing. Allele origin: germline. Observed: 8 variant alleles.
Comment: BS1, BP4_strong

ARUP Laboratories, Molecular Genetics and Genomics, ARUP Laboratories
Classification: Uncertain significance for Polycystic kidney disease, adult type. Last evaluated: 2020-02-26. Review status: criteria provided, single submitter. Criteria: ARUP Molecular Germline Variant Investigation Process. Collection method: clinical testing. Allele origin: germline.
Comment: The PKD1 c.8713G>A; p.Val2905Ile variant (rs147788838) is reported in the literature as a benign polymorphism (Rossetti 2001). This variant is also reported in ClinVar (Variation ID: 257028), and is found in the general population with an overall allele frequency of 0.17% (457/270176 alleles, including a single homozygote) in the Genome Aggregation Database. The valine at codon 2905 is highly conserved, but computational analyses (SIFT, PolyPhen-2) predict that this variant is tolerated. However, given the lack of clinical and functional data, the significance of the p.Val2905Ile variant is uncertain at this time. References: Rossetti S et al. Mutation analysis of the entire PKD1 gene: genetic and diagnostic implications. Am J Hum Genet. 2001 Jan;68(1):46-63.

Athena Diagnostics
Classification: Benign. Last evaluated: 2019-01-25. Review status: criteria provided, single submitter. Criteria: Athena Diagnostics Criteria. Collection method: clinical testing. Allele origin: germline.

PreventionGenetics, part of Exact Sciences
Classification: Likely benign. Review status: criteria provided, single submitter. Criteria: ACMG Guidelines, 2015. Collection method: clinical testing. Allele origin: germline.

Clinical Genetics DNA and cytogenetics Diagnostics Lab, Erasmus MC, Erasmus Medical Center
Classification: Likely benign. Review status: no assertion criteria provided. Collection method: clinical testing. Allele origin: germline. Affected: yes. Study: VKGL Data-share Consensus. Not counted in ClinVar's aggregate classification.

Department of Pathology and Laboratory Medicine, Sinai Health System
Classification: Likely benign for Polycystic Kidney disease. Review status: no assertion criteria provided. Collection method: clinical testing. Allele origin: unknown. Affected: yes. Observed: 6 variant alleles. Study: The Canadian Open Genetics Repository (COGR). Not counted in ClinVar's aggregate classification.
Comment: The PKD1 p.Val2905Ile variant was identified as a polymorphism in the literature in a cohort of 131 patients with ADPKD however frequency information was not reported (Rossetti 2001). The variant was also identified in dbSNP (ID: rs147788838) as â€šÃ„ÃºNAâ€šÃ„Ã¹, and the ADPKD Mutation Database (classification â€šÃ„Ãºlikely neutralâ€šÃ„Ã¹) but not in Clinvitae, ClinVar, GeneInsight COGR, PKD1-LOVD, or PKD1-LOVD 3.0 databases. The variant was identified in the 1000 Genomes Project in 7 of 5000 chromosomes (frequency: 0.0014); HAPMAP populations: AMR in 1 of 694 chromosomes (frequency: 0.0014), EUR in 5 of 1006 chromosomes (frequency: 0.005), and AFR in 1 of 1322 chromosomes (frequency: 0.0008); the NHLBI GO Exome Sequencing Project in 22 of 8316 European American alleles and in 4 of 4202 African American alleles; and in the Exome Aggregation Consortium database (March 14, 2016): 30 of 11356 alleles (frequency: 0.0026) in a Latino population, in 129 of 61572 alleles (1 homozygous, frequency: 0.0021) from a European (Non-Finnish) population, in 1 of 8386 alleles (frequency: 0.0001) from a East Asian population, in 6 of 8310 alleles (frequency: 0.0007) from an African population, in 3 of 16374 alleles (frequency: 0.0002) from a population of South Asian and in 2 of 6556 alleles (frequency: 0.0003) from a population of European (Finnish) individuals; it was not seen in â€šÃ„ÃºOtherâ€šÃ„Ã¹ population. The p.Val2905 residue is not conserved in mammals and the variant amino acid Ile is present in dog, increasing the likelihood that this variant does not have clinical significance. Computational analyses (PolyPhen-2, SIFT, AlignGVGD, BLOSUM, MutationTaster) provide inconsistent predictions regarding the impact to the protein; this information is not very predictive of pathogenicity. In summary, based on the above information this variant is classified as likely benign.

Genome Diagnostics Laboratory, University Medical Center Utrecht
Classification: Likely benign. Review status: no assertion criteria provided. Collection method: clinical testing. Allele origin: germline. Affected: yes. Study: VKGL Data-share Consensus. Not counted in ClinVar's aggregate classification.

Laboratory of Diagnostic Genome Analysis, Leiden University Medical Center (LUMC)
Classification: Likely benign. Review status: no assertion criteria provided. Collection method: clinical testing. Allele origin: germline. Affected: yes. Study: VKGL Data-share Consensus. Not counted in ClinVar's aggregate classification.

Literature cited by the submitters: PubMed 33964006 (cited by Women's Health and Genetics/Laboratory Corporation of America, LabCorp); PubMed 11115377 (cited by Athena Diagnostics).

NM_001009944.3(PKD1):c.8713G>A (p.Val2905Ile)

Gene: PKD1 (polycystin 1, transient receptor potential channel interacting; minus strand). Cytogenetic location: 16p13.3.
Variant type: single nucleotide variant.
Coding change: c.8713G>A on transcript NM_001009944.3 (MANE Select); coding-DNA position 8713, G replaced by A.
Protein change: p.Val2905Ile; replaces valine 2905 with isoleucine.
Molecular consequence: missense variant.
Genome position (GRCh38, 1-based): chr16:2,103,344, C>T on the plus strand (G>A on the coding strand, the complement: PKD1 is on the minus strand). VCF-style: chr16-2103344-C-T. GRCh37 (hg19) VCF-style: chr16-2153345-C-T.
Other names: c.8713G>A, p.Val2905Ile (NM_000296.4); short protein forms V2905I.
Identifiers: ClinVar variation 257028 (VCV000257028.33), dbSNP rs147788838, ClinGen allele CA7830410.